The following is an entry in ClinVar:

ClinVar aggregate classification (germline): Conflicting classifications of pathogenicity. Review status: criteria provided, conflicting classifications (1 of 4 stars). 2 submissions from 2 submitters: Uncertain significance (1); Likely benign (1). Last evaluated 2022-11-01.

Conditions:
Inborn genetic diseases. Identifiers: MedGen C0950123, MeSH D030342.

Allele frequency attached by ClinVar (database versions not stated): gnomAD 0.00001; TOPMed 0.00002.
gnomAD v4.1: 8 of 1,613,714 alleles (0.0005%); highest among the groups gnomAD compares: Admixed American, 0.0083%; no homozygotes.

Submissions (2):

Ambry Genetics
Classification: Likely benign for Inborn genetic diseases. Last evaluated: 2022-11-01. Review status: criteria provided, single submitter. Criteria: Ambry Variant Classification Scheme 2023. Collection method: clinical testing. Allele origin: germline.

Labcorp Genetics (formerly Invitae), Labcorp
Classification: Uncertain significance. Last evaluated: 2022-02-28. Review status: criteria provided, single submitter. Criteria: Invitae Variant Classification Sherloc (09022015). Collection method: clinical testing. Allele origin: germline.
Comment: This sequence change replaces alanine, which is neutral and non-polar, with glutamic acid, which is acidic and polar, at codon 245 of the TULP1 protein (p.Ala245Glu). This variant is present in population databases (rs62636707, gnomAD 0.01%). This variant has not been reported in the literature in individuals affected with TULP1-related conditions. ClinVar contains an entry for this variant (Variation ID: 945647). Algorithms developed to predict the effect of missense changes on protein structure and function output the following: SIFT: "Not Available"; PolyPhen-2: "Benign"; Align-GVGD: "Not Available". The glutamic acid amino acid residue is found in multiple mammalian species, which suggests that this missense change does not adversely affect protein function. In summary, the available evidence is currently insufficient to determine the role of this variant in disease. Therefore, it has been classified as a Variant of Uncertain Significance.

NM_003322.6(TULP1):c.734C>A (p.Ala245Glu)

Gene: TULP1 (TUB like protein 1; minus strand). Cytogenetic location: 6p21.31.
Variant type: single nucleotide variant.
Coding change: c.734C>A on transcript NM_003322.6 (MANE Select); coding-DNA position 734, C replaced by A.
Protein change: p.Ala245Glu; replaces alanine 245 with glutamic acid.
Molecular consequence: missense variant.
Genome position (GRCh38, 1-based): chr6:35,509,297, G>T on the plus strand (C>A on the coding strand, the complement: TULP1 is on the minus strand). VCF-style: chr6-35509297-G-T. GRCh37 (hg19) VCF-style: chr6-35477074-G-T.
Other names: c.575C>A, p.Ala192Glu (NM_001289395.2); c.734C>A (NM_003322.3); short protein forms A192E, A245E.
Identifiers: ClinVar variation 945647 (VCV000945647.7), dbSNP rs62636707, ClinGen allele CA3772814.